The following is an entry in ClinVar:

ClinVar aggregate classification (germline): Uncertain significance (1 of 4 stars; one submission).

Conditions:
Hereditary cancer-predisposing syndrome. Also called: Neoplastic Syndromes, Hereditary; Tumor predisposition; Hereditary Cancer Syndrome; Hereditary neoplastic syndrome. Identifiers: Orphanet 140162, MedGen C0027672, MeSH D009386, MONDO:0015356.

Submission:

Ambry Genetics
Classification: Uncertain significance for Hereditary cancer-predisposing syndrome. Last evaluated: 2026-02-23. Review status: criteria provided, single submitter. Criteria: Ambry Variant Classification Scheme 2023. Collection method: clinical testing. Allele origin: germline.
Comment: The p.A433P variant (also known as c.1297G>C), located in coding exon 7 of the SMARCA4 gene, results from a G to C substitution at nucleotide position 1297. The alanine at codon 433 is replaced by proline, an amino acid with highly similar properties. This amino acid position is conserved. In addition, the in silico prediction for this alteration is inconclusive. Based on the available evidence, the clinical significance of this variant remains unclear.

NM_003072.5(SMARCA4):c.1297G>C (p.Ala433Pro)

Gene: SMARCA4 (SWI/SNF related BAF chromatin remodeling complex subunit ATPase 4; plus strand). Cytogenetic location: 19p13.2.
Variant type: single nucleotide variant.
Coding change: c.1297G>C on transcript NM_003072.5 (MANE Select); coding-DNA position 1297, G replaced by C.
Protein change: p.Ala433Pro; replaces alanine 433 with proline.
Molecular consequence: missense variant. On other transcripts: non-coding transcript variant (1).
Genome position (GRCh38, 1-based): chr19:10,991,201, G>C. VCF-style: chr19-10991201-G-C. GRCh37 (hg19) VCF-style: chr19-11101877-G-C.
Other names: c.1297G>C, p.Ala433Pro (NM_001128844.3, NM_001128845.2, NM_001128846.2 and 6 more transcripts); short protein forms A433P.
Identifiers: ClinVar variation 4827323 (VCV004827323.1).